The following is an entry in ClinVar:

ClinVar aggregate classification (germline): Likely pathogenic (1 of 4 stars; one submission).

Conditions:
LAMA2-related muscular dystrophy (LAMA2-RD). Also called: Laminin alpha 2-related dystrophy. Identifiers: MedGen C5679788, MONDO:0100228.

Submission:

Myriad Genetics, Inc.
Classification: Likely pathogenic for LAMA2-related muscular dystrophy. Last evaluated: 2019-07-20. Review status: criteria provided, single submitter. Criteria: Myriad Autosomal Dominant, Autosomal Recessive and X-Linked Classification Criteria (2023). Collection method: clinical testing. Allele origin: unknown.
Comment: NM_000426.3(LAMA2):c.569C>A(S190*) is expected to be pathogenic in the context of LAMA2-related muscular dystrophy. This variant is predicted to lead to an abnormal or absent protein product due to the creation of a premature termination codon in LAMA2, a gene where loss-of-function variants are known to be pathogenic. Please note: this variant was assessed in the context of healthy population screening.

NM_000426.4(LAMA2):c.569C>A (p.Ser190Ter)

Gene: LAMA2 (laminin subunit alpha 2; plus strand). Cytogenetic location: 6q22.33.
Variant type: single nucleotide variant.
Coding change: c.569C>A on transcript NM_000426.4 (MANE Select); coding-DNA position 569, C replaced by A.
Protein change: p.Ser190Ter; replaces serine 190 with a stop codon.
Molecular consequence: nonsense.
Genome position (GRCh38, 1-based): chr6:129,098,345, C>A. VCF-style: chr6-129098345-C-A. GRCh37 (hg19) VCF-style: chr6-129419490-C-A.
Other names: c.569C>A, p.Ser190Ter (NM_001079823.2); short protein forms S190*.
Identifiers: ClinVar variation 983622 (VCV000983622.4), dbSNP rs1775311864, ClinGen allele CA365829397.